The following is an entry in ClinVar:

ClinVar aggregate classification (germline): Uncertain significance (1 of 4 stars; one submission).

Conditions:
Hereditary cancer-predisposing syndrome. Also called: Hereditary Cancer Syndrome; Hereditary neoplastic syndrome; Tumor predisposition; Neoplastic Syndromes, Hereditary. Identifiers: Orphanet 140162, MedGen C0027672, MeSH D009386, MONDO:0015356.
Cardiovascular phenotype. Identifiers: MedGen CN230736.

Submission:

Ambry Genetics
Classification: Uncertain significance for Cardiovascular phenotype; Hereditary cancer-predisposing syndrome. Last evaluated: 2024-06-25. Review status: criteria provided, single submitter. Criteria: Ambry Variant Classification Scheme 2023. Collection method: clinical testing. Allele origin: germline.
Comment: The p.G127E variant (also known as c.380G>A), located in coding exon 4 of the LZTR1 gene, results from a G to A substitution at nucleotide position 380. The glycine at codon 127 is replaced by glutamic acid, an amino acid with similar properties. This amino acid position is conserved. In addition, the in silico prediction for this alteration is inconclusive. Based on the available evidence, the clinical significance of this variant remains unclear.

NM_006767.4(LZTR1):c.380G>A (p.Gly127Glu)

Gene: LZTR1 (leucine zipper like post translational regulator 1; plus strand). Cytogenetic location: 22q11.21.
Variant type: single nucleotide variant.
Coding change: c.380G>A on transcript NM_006767.4 (MANE Select); coding-DNA position 380, G replaced by A.
Protein change: p.Gly127Glu; replaces glycine 127 with glutamic acid.
Molecular consequence: missense variant.
Genome position (GRCh38, 1-based): chr22:20,987,563, G>A. VCF-style: chr22-20987563-G-A. GRCh37 (hg19) VCF-style: chr22-21341852-G-A.
Other names: short protein forms G127E.
Identifiers: ClinVar variation 3541550 (VCV003541550.1).